The following is an entry in ClinVar:

ClinVar aggregate classification (germline): Likely benign. Review status: criteria provided, multiple submitters, no conflicts (2 of 4 stars). 3 submissions from 3 submitters: Likely benign (2). 1 of the submissions does not count toward it. Last evaluated 2025-06-26.

Conditions:
COL7A1-related disorder. Also called: COL7A1- related disorders; COL7A1-related condition.

Allele frequency attached by ClinVar (database versions not stated): gnomAD exomes below 0.00001.
gnomAD v4.1: 4 of 1,614,038 alleles (0.00025%); highest among the groups gnomAD compares: Admixed American, 0.0017%; no homozygotes.

Submissions (3):

Women's Health and Genetics/Laboratory Corporation of America, LabCorp
Classification: Likely benign. Last evaluated: 2025-06-26. Review status: criteria provided, single submitter. Criteria: LabCorp Variant Classification Summary - May 2015. Collection method: clinical testing. Allele origin: germline.

Labcorp Genetics (formerly Invitae), Labcorp
Classification: Likely benign. Last evaluated: 2025-05-22. Review status: criteria provided, single submitter. Criteria: Invitae Variant Classification Sherloc (09022015). Collection method: clinical testing. Allele origin: germline.

PreventionGenetics, part of Exact Sciences
Classification: Uncertain significance for COL7A1-related condition. Last evaluated: 2023-10-18. Review status: no assertion criteria provided. Collection method: clinical testing. Allele origin: germline. Not counted in ClinVar's aggregate classification.
Comment: The COL7A1 c.5154+8G>A variant is predicted to interfere with splicing. To our knowledge, this variant has not been reported in the literature. This variant is reported in 0.00088% of alleles in individuals of European (Non-Finnish) descent in gnomAD. At this time, the clinical significance of this variant is uncertain due to the absence of conclusive functional and genetic evidence.

NM_000094.4(COL7A1):c.5154+8G>A

Gene: COL7A1 (collagen type VII alpha 1 chain; minus strand). Cytogenetic location: 3p21.31.
Variant type: single nucleotide variant.
Coding change: c.5154+8G>A on transcript NM_000094.4 (MANE Select); 8 bases into the intron after coding-DNA position 5154, G replaced by A.
Molecular consequence: intron variant.
Genome position (GRCh38, 1-based): chr3:48,579,777, C>T on the plus strand (G>A on the coding strand, the complement: COL7A1 is on the minus strand). VCF-style: chr3-48579777-C-T. GRCh37 (hg19) VCF-style: chr3-48617210-C-T.
Identifiers: ClinVar variation 3040942 (VCV003040942.5), dbSNP rs1271996362, ClinGen allele CA543045781.